The following is an entry in ClinVar:

ClinVar aggregate classification (germline): Uncertain significance (1 of 4 stars; one submission).

Allele frequency attached by ClinVar (database versions not stated): gnomAD 0.00001; gnomAD exomes 0.00003 and 0.00007; TOPMed 0.00005; ExAC 0.00007; ESP Exome Variant Server 0.00015.
gnomAD v4.1: 54 of 1,613,984 alleles (0.0033%); highest among the groups gnomAD compares: Middle Eastern, 0.016%; no homozygotes.

Submission:

Labcorp Genetics (formerly Invitae), Labcorp
Classification: Uncertain significance. Last evaluated: 2024-11-18. Review status: criteria provided, single submitter. Criteria: Invitae Variant Classification Sherloc (09022015). Collection method: clinical testing. Allele origin: germline.
Comment: This sequence change replaces arginine, which is basic and polar, with histidine, which is basic and polar, at codon 623 of the PHF21A protein (p.Arg623His). This variant is present in population databases (rs370627435, gnomAD 0.02%). This variant has not been reported in the literature in individuals affected with PHF21A-related conditions. ClinVar contains an entry for this variant (Variation ID: 1385620). Invitae Evidence Modeling of protein sequence and biophysical properties (such as structural, functional, and spatial information, amino acid conservation, physicochemical variation, residue mobility, and thermodynamic stability) indicates that this missense variant is not expected to disrupt PHF21A protein function with a negative predictive value of 80%. In summary, the available evidence is currently insufficient to determine the role of this variant in disease. Therefore, it has been classified as a Variant of Uncertain Significance.

NM_001352027.3(PHF21A):c.1871G>A (p.Arg624His)

Gene: PHF21A (PHD finger protein 21A; minus strand). Cytogenetic location: 11p11.2.
Variant type: single nucleotide variant.
Coding change: c.1871G>A on transcript NM_001352027.3 (MANE Select); coding-DNA position 1871, G replaced by A.
Protein change: p.Arg624His; replaces arginine 624 with histidine.
Molecular consequence: missense variant. On other transcripts: non-coding transcript variant (2).
Genome position (GRCh38, 1-based): chr11:45,934,143, C>T on the plus strand (G>A on the coding strand, the complement: PHF21A is on the minus strand). VCF-style: chr11-45934143-C-T. GRCh37 (hg19) VCF-style: chr11-45955694-C-T.
Other names: c.1868G>A, p.Arg623His (NM_001101802.3); c.1871G>A, p.Arg624His (NM_001352025.3, NM_001352026.3); c.1730G>A, p.Arg577His (NM_001352028.1, NM_001352029.1, NM_016621.5); c.1727G>A, p.Arg576His (NM_001352030.3, NM_001352031.3, NM_001352032.3); short protein forms R624H, R576H, R623H, R577H.
Identifiers: ClinVar variation 1385620 (VCV001385620.8), dbSNP rs370627435, ClinGen allele CA5960943.
Genomic context (GRCh38, chr11:45,934,143, plus strand): 5'-ATGGCCCCCACAGTGGCCTCAGAGTCTACAGGTTTGGAGAGGTCGATGCCGTGGATGAGG[C>T]GAATCAGCTGTTTTACCTTCTCCAGGGAGCTGTGCATCTCCTTCTGCCGGGCCAGGATGG-3'
Protein context (NP_001338956.1, residues 614-634): SSLEKVKQLI[Arg624His]LIHGIDLSKP